The following is an entry in ClinVar:

NM_194277.3(FRMD7):c.299T>C (p.Leu100Pro)

Gene: FRMD7 (FERM domain containing 7; minus strand). Cytogenetic location: Xq26.2.
Variant type: single nucleotide variant.
Coding change: c.299T>C on transcript NM_194277.3 (MANE Select); coding-DNA position 299, T replaced by C.
Protein change: p.Leu100Pro; replaces leucine 100 with proline.
Molecular consequence: missense variant.
Genome position (GRCh38, 1-based): chrX:132,094,125, A>G on the plus strand (T>C on the coding strand, the complement: FRMD7 is on the minus strand). VCF-style: chrX-132094125-A-G. GRCh37 (hg19) VCF-style: chrX-131228153-A-G.
Other names: c.254T>C, p.Leu85Pro (NM_001306193.2); short protein forms L85P, L100P.
Identifiers: ClinVar variation 2856944 (VCV002856944.3), dbSNP rs2520813347, ClinGen allele CA414681735.

ClinVar aggregate classification (germline): Uncertain significance (1 of 4 stars; one submission).

Submission:

Labcorp Genetics (formerly Invitae), Labcorp
Classification: Uncertain significance. Last evaluated: 2023-04-16. Review status: criteria provided, single submitter. Criteria: Invitae Variant Classification Sherloc (09022015). Collection method: clinical testing. Allele origin: germline.
Comment: In summary, the available evidence is currently insufficient to determine the role of this variant in disease. Therefore, it has been classified as a Variant of Uncertain Significance. An algorithm developed to predict the effect of missense changes on protein structure and function (PolyPhen-2) suggests that this variant is likely to be disruptive. This sequence change replaces leucine, which is neutral and non-polar, with proline, which is neutral and non-polar, at codon 100 of the FRMD7 protein (p.Leu100Pro). This variant is not present in population databases (gnomAD no frequency). This variant has not been reported in the literature in individuals affected with FRMD7-related conditions.